The following is an entry in ClinVar:

ClinVar aggregate classification (germline): Likely benign. Review status: criteria provided, multiple submitters, no conflicts (2 of 4 stars). 2 submissions from 2 submitters: Likely benign (2). Last evaluated 2026-04-01.

Allele frequency attached by ClinVar (database versions not stated): gnomAD exomes 0.00014 and 0.00032; ExAC 0.00050; gnomAD 0.00102 and 0.00108; TOPMed 0.00124; 1000 Genomes Project 30x 0.00203; 1000 Genomes Project 0.00220.
gnomAD v4.1: 356 of 1,600,642 alleles (0.022%); highest among the groups gnomAD compares: African/African-American, 0.35%; 5 homozygotes.

Submissions (2):

CeGaT Center for Human Genetics Tuebingen
Classification: Likely benign. Last evaluated: 2026-04-01. Review status: criteria provided, single submitter. Criteria: CeGaT Center For Human Genetics Tuebingen Variant Classification Criteria Version 2. Collection method: clinical testing. Allele origin: germline. Affected: yes. Observed: 3 variant alleles.
Comment: TECR: BP4, BP7

Genetic Services Laboratory, University of Chicago
Classification: Likely benign. Last evaluated: 2018-12-03. Review status: criteria provided, single submitter. Criteria: ACMG Guidelines, 2015. Collection method: clinical testing. Allele origin: germline. Affected: no.

NM_138501.6(TECR):c.873G>A (p.Lys291=)

Gene: TECR (trans-2,3-enoyl-CoA reductase; plus strand). Cytogenetic location: 19p13.12.
Variant type: single nucleotide variant.
Coding change: c.873G>A on transcript NM_138501.6 (MANE Select); coding-DNA position 873, G replaced by A.
Protein change: p.Lys291=; no amino-acid change (lysine 291 retained).
Molecular consequence: synonymous variant.
Genome position (GRCh38, 1-based): chr19:14,565,817, G>A. VCF-style: chr19-14565817-G-A. GRCh37 (hg19) VCF-style: chr19-14676629-G-A.
Other names: c.918G>A, p.Lys306= (NM_001321170.1).
Identifiers: ClinVar variation 212397 (VCV000212397.31), dbSNP rs147656694, ClinGen allele CA208584.
Genomic context (GRCh38, chr19:14,565,817, plus strand): 5'-CCTGGTGGGCTTCACCCAGATGACCATCTGGGCCAAGGGCAAGCACCGCAGCTACCTGAA[G>A]GAGTTCCGGGACTACCCGCCCCTGCGCATGCCCATCATCCCCTTCCTGCTCTGAGCGCTC-3'
Protein context (NP_612510.1, residues 281-301): WAKGKHRSYL[Lys291=]EFRDYPPLRM